The following is an entry in ClinVar:

NM_007294.4(BRCA1):c.4231del (p.Met1411fs)

Gene: BRCA1 (BRCA1 DNA repair associated; minus strand). Cytogenetic location: 17q21.31.
Variant type: Deletion.
Coding change: c.4231del on transcript NM_007294.4 (MANE Select); coding-DNA position 4231, one base deleted (A; older notation c.4231delA).
Protein change: p.Met1411fs; shifts the reading frame from methionine 1411.
Molecular consequence: frameshift variant.
Genome position (GRCh38, 1-based): chr17:43,082,530, T deleted on the plus strand (A on the coding strand, the reverse complement: BRCA1 is on the minus strand); the first of 3 consecutive T bases (chr17:43,082,530-43,082,532); deleting any one gives the same sequence. VCF-style (leftmost placement, unchanged base first): chr17-43082529-AT-A. GRCh37 (hg19) VCF-style: chr17-41234546-AT-A.
Other names: c.4018del, p.Met1340fs (NM_001407571.1, NM_001407853.1, NM_001407894.1 and 12 more transcripts); c.4231del, p.Met1411fs (NM_001407581.1, NM_001407582.1, NM_001407583.1 and 23 more transcripts); c.4228del, p.Met1410fs (NM_001407587.1, NM_001407590.1, NM_001407591.1 and 21 more transcripts); c.4225del, p.Met1409fs (NM_001407627.1, NM_001407628.1, NM_001407629.1 and 5 more transcripts); c.4219del, p.Met1407fs (NM_001407646.1, NM_001407647.1); c.4108del, p.Met1370fs (NM_001407648.1, NM_001407664.1, NM_001407665.1 and 13 more transcripts); c.4105del, p.Met1369fs (NM_001407649.1, NM_001407670.1, NM_001407671.1 and 12 more transcripts); c.4153del, p.Met1385fs (NM_001407653.1, NM_001407654.1, NM_001407655.1 and 2 more transcripts); and 52 more; short protein forms M1115fs, M1242fs, M1283fs, M1284fs, M1298fs, M1299fs, M1300fs, M1321fs.
Identifiers: ClinVar variation 2573305 (VCV002573305.1), dbSNP rs2551926903, ClinGen allele CA2580612621.

ClinVar aggregate classification (germline): Pathogenic (1 of 4 stars; one submission).

Conditions:
Breast-ovarian cancer, familial, susceptibility to, 1 (BROVCA1). Also called: BRCA1 Hereditary Breast and Ovarian Cancer; OVARIAN CANCER, SUSCEPTIBILITY TO. Identifiers: Orphanet 145, MedGen C2676676, MONDO:0011450, OMIM 604370. Disease mechanism: loss of function.

Submission:

Myriad Genetics, Inc.
Classification: Pathogenic for Breast-ovarian cancer, familial, susceptibility to, 1. Last evaluated: 2023-03-01. Review status: criteria provided, single submitter. Criteria: Myriad Autosomal Dominant, Autosomal Recessive and X-Linked Classification Criteria (2023). Collection method: clinical testing. Allele origin: unknown.
Comment: This variant is considered pathogenic. This variant creates a frameshift predicted to result in premature protein truncation.